The following is an entry in ClinVar:

NM_177972.3(TUB):c.1053G>A (p.Gln351=)

Genes: RIC3 (RIC3 acetylcholine receptor chaperone; minus strand), TUB (TUB bipartite transcription factor; plus strand). Cytogenetic location: 11p15.4.
Variant type: single nucleotide variant.
Coding change: c.1053G>A on transcript NM_177972.3 (MANE Select); coding-DNA position 1053, G replaced by A.
Protein change: p.Gln351=; no amino-acid change (glutamine 351 retained).
Molecular consequence: synonymous variant.
Genome position (GRCh38, 1-based): chr11:8,098,812, G>A. VCF-style: chr11-8098812-G-A. GRCh37 (hg19) VCF-style: chr11-8120359-G-A.
Other names: c.1071G>A, p.Gln357= (NM_001440538.1, NM_001440539.1); c.903G>A, p.Gln301= (NM_001440540.1, NM_001440542.1); c.885G>A, p.Gln295= (NM_001440541.1); c.1218G>A, p.Gln406= (NM_003320.5).
Identifiers: ClinVar variation 4991596 (VCV004991596.1).
Genomic context (GRCh38, chr11:8,098,812, plus strand): 5'-TTTCAGGTCCAACTTGATGGGCACCAAGTTCACTGTTTATGACAATGGAGTCAACCCTCA[G>A]AAGGCCTCATCCTCCACTTTGGAAAGTGGAACCTTACGTCAGGAGCTGGCAGCTGTGTGC-3'
Protein context (NP_813977.1, residues 341-361): FTVYDNGVNP[Gln351=]KASSSTLESG

ClinVar aggregate classification (germline): Likely benign (1 of 4 stars; one submission).

Conditions:
TUB-related disorder. Also called: TUB-related condition.

Submission:

PreventionGenetics, part of Exact Sciences
Classification: Likely benign for TUB-related condition. Last evaluated: 2025-10-17. Review status: criteria provided, single submitter. Criteria: ACMG Guidelines, 2015. Collection method: clinical testing. Allele origin: germline.
Comment: This variant is classified as likely benign based on ACMG/AMP sequence variant interpretation guidelines (Richards et al. 2015 PMID: 25741868, with internal and published modifications).